The following is an entry in ClinVar:

ClinVar aggregate classification (germline): Uncertain significance (1 of 4 stars; one submission).

Conditions:
Familial renal glucosuria (GLYS). Also called: RENAL GLUCOSURIA, AUTOSOMAL DOMINANT; Familial renal glycosuria. Identifiers: Orphanet 69076, MedGen C3245525, MONDO:0009297, OMIM 233100.

Submission:

MVZ Medizinische Genetik Mainz
Classification: Uncertain significance for Familial renal glucosuria. Last evaluated: 2025-06-25. Review status: criteria provided, single submitter. Criteria: UK Practice Guidelines For Variant Classification V4 01 2020. Collection method: clinical testing. Allele origin: germline. Inheritance: Autosomal recessive inheritance. Affected: yes. Observed: 1 variant allele.
Comment: ACMG Criteria: PP3_MOD,PM2_SUP,PM3_SUP,PP4

NM_003041.4(SLC5A2):c.1015T>C (p.Tyr339His)

Gene: SLC5A2 (solute carrier family 5 member 2; plus strand). Cytogenetic location: 16p11.2.
Variant type: single nucleotide variant.
Coding change: c.1015T>C on transcript NM_003041.4 (MANE Select); coding-DNA position 1015, T replaced by C.
Protein change: p.Tyr339His; replaces tyrosine 339 with histidine.
Molecular consequence: missense variant. On other transcripts: non-coding transcript variant (1).
Genome position (GRCh38, 1-based): chr16:31,488,167, T>C. VCF-style: chr16-31488167-T-C. GRCh37 (hg19) VCF-style: chr16-31499488-T-C.
Other names: short protein forms Y339H.
Identifiers: ClinVar variation 4072213 (VCV004072213.1).